The following is an entry in ClinVar:

ClinVar aggregate classification (germline): Likely pathogenic (1 of 4 stars; one submission).

Conditions:
Cholestanol storage disease (CTX). Also called: CEREBRAL CHOLESTERINOSIS; CTX: Cerebrotendinous xanthomatosis; Cerebrotendinous Xanthomatosis. Identifiers: Orphanet 909, MedGen C0238052, MONDO:0008948, OMIM 213700.

Submission:

Myriad Genetics, Inc.
Classification: Likely pathogenic for Cholestanol storage disease. Last evaluated: 2021-12-17. Review status: criteria provided, single submitter. Criteria: Myriad Women's Health Autosomal Recessive and X-Linked Classification Criteria (2021). Collection method: clinical testing. Allele origin: unknown.
Comment: NM_000784.3(CYP27A1):c.703G>T(E235*) is expected to be pathogenic in the context of cerebrotendinous xanthomatosis. This variant is predicted to lead to an abnormal or absent protein product due to the creation of a premature termination codon in CYP27A1, a gene where loss-of-function variants are known to be pathogenic. Please note: this variant was assessed in the context of healthy population screening.

NM_000784.4(CYP27A1):c.703G>T (p.Glu235Ter)

Gene: CYP27A1 (cytochrome P450 family 27 subfamily A member 1; plus strand). Cytogenetic location: 2q35.
Variant type: single nucleotide variant.
Coding change: c.703G>T on transcript NM_000784.4 (MANE Select); coding-DNA position 703, G replaced by T.
Protein change: p.Glu235Ter; replaces glutamic acid 235 with a stop codon.
Molecular consequence: nonsense.
Genome position (GRCh38, 1-based): chr2:218,812,608, G>T. VCF-style: chr2-218812608-G-T. GRCh37 (hg19) VCF-style: chr2-219677331-G-T.
Other names: short protein forms E235*.
Identifiers: ClinVar variation 1726530 (VCV001726530.2), dbSNP rs149897566, ClinGen allele CA350586339.
Genomic context (GRCh38, chr2:218,812,608, plus strand): 5'-TCAGCTATTTGCTACATCCTGTTCGAGAAACGCATTGGCTGCCTGCAGCGATCCATCCCC[G>T]AGGACACCGTGACCTTCGTCAGATCCATCGGGTTAATGTTCCAGAACTCACTCTATGCCA-3'